The following is an entry in ClinVar:

NM_003036.4(SKI):c.1703A>G (p.Lys568Arg)

Gene: SKI (SKI proto-oncogene; plus strand). Cytogenetic location: 1p36.32.
Variant type: single nucleotide variant.
Coding change: c.1703A>G on transcript NM_003036.4 (MANE Select); coding-DNA position 1703, A replaced by G.
Protein change: p.Lys568Arg; replaces lysine 568 with arginine.
Molecular consequence: missense variant.
Genome position (GRCh38, 1-based): chr1:2,304,521, A>G. VCF-style: chr1-2304521-A-G. GRCh37 (hg19) VCF-style: chr1-2235960-A-G.
Other names: short protein forms K568R.
Identifiers: ClinVar variation 4799798 (VCV004799798.1).

ClinVar aggregate classification (germline): Uncertain significance (1 of 4 stars; one submission).

Conditions:
Shprintzen-Goldberg syndrome (SGS). Also called: Marfanoid disorder with craniosynostosis type 1; Marfanoid craniosynostosis syndrome; Shprintzen-Goldberg marfanoid syndrome; SHPRINTZEN-GOLDBERG CRANIOSYNOSTOSIS SYNDROME; CRANIOSYNOSTOSIS WITH ARACHNODACTYLY AND ABDOMINAL HERNIAS. Identifiers: Orphanet 2462, MedGen C1321551, MONDO:0008426, OMIM 182212.

Submission:

Labcorp Genetics (formerly Invitae), Labcorp
Classification: Uncertain significance for Shprintzen-Goldberg syndrome. Last evaluated: 2025-11-23. Review status: criteria provided, single submitter. Criteria: Invitae Variant Classification Sherloc (09022015). Collection method: clinical testing. Allele origin: germline.
Comment: This sequence change replaces lysine, which is basic and polar, with arginine, which is basic and polar, at codon 568 of the SKI protein (p.Lys568Arg). This variant is not present in population databases (gnomAD no frequency). This variant has not been reported in the literature in individuals affected with SKI-related conditions. Invitae Evidence Modeling of protein sequence and biophysical properties (such as structural, functional, and spatial information, amino acid conservation, physicochemical variation, residue mobility, and thermodynamic stability) indicates that this missense variant is not expected to disrupt SKI protein function with a negative predictive value of 95%. In summary, the available evidence is currently insufficient to determine the role of this variant in disease. Therefore, it has been classified as a Variant of Uncertain Significance.